The following is an entry in ClinVar:

ClinVar aggregate classification (germline): Pathogenic/Likely pathogenic. Review status: criteria provided, multiple submitters, no conflicts (2 of 4 stars). 2 submissions from 2 submitters: Pathogenic (1); Likely pathogenic (1). Last evaluated 2025-01-08.

Conditions:
Mucopolysaccharidosis, MPS-III-C (MPS3C). Also called: Mucopolysaccharidosis type IIIC (Sanfilippo C); SANFILIPPO SYNDROME C; MPS III C; mucopolysaccharidosis type 3C; MPS IIIC (Sanfilippo Syndrome Type C); MUCOPOLYSACCHARIDOSIS, TYPE IIIC. Identifiers: Orphanet 581, Orphanet 79271, MedGen C0086649, MONDO:0009657, OMIM 252930.
Retinitis pigmentosa 73 (RP73). Identifiers: Orphanet 791, MedGen C4225287, MONDO:0014687, OMIM 616544.

Submissions (2):

Labcorp Genetics (formerly Invitae), Labcorp
Classification: Pathogenic for Retinitis pigmentosa 73; Mucopolysaccharidosis, MPS-III-C. Last evaluated: 2025-01-08. Review status: criteria provided, single submitter. Criteria: Invitae Variant Classification Sherloc (09022015). Collection method: clinical testing. Allele origin: germline.
Comment: This sequence change creates a premature translational stop signal (p.Leu22Argfs*20) in the HGSNAT gene. It is expected to result in an absent or disrupted protein product. Loss-of-function variants in HGSNAT are known to be pathogenic (PMID: 17033958, 19479962). This variant is not present in population databases (gnomAD no frequency). This variant has not been reported in the literature in individuals affected with HGSNAT-related conditions. For these reasons, this variant has been classified as Pathogenic.

Fulgent Genetics
Classification: Likely pathogenic for Mucopolysaccharidosis, MPS-III-C; Retinitis pigmentosa 73. Last evaluated: 2024-04-23. Review status: criteria provided, single submitter. Criteria: ACMG Guidelines, 2015. Collection method: clinical testing. Allele origin: germline.

Literature cited by the submitters: PubMed 17033958 (cited by Labcorp Genetics (formerly Invitae), Labcorp); PubMed 19479962 (cited by Labcorp Genetics (formerly Invitae), Labcorp).

NM_152419.3(HGSNAT):c.65del (p.Leu22fs)

Genes: HGSNAT (heparan-alpha-glucosaminide N-acetyltransferase; plus strand), LOC130000316 (ATAC-STARR-seq lymphoblastoid silent region 19164; plus strand). Cytogenetic location: 8p11.21.
Variant type: Deletion.
Coding change: c.65del on transcript NM_152419.3 (MANE Select); coding-DNA position 65, one base deleted (T; older notation c.65delT).
Protein change: p.Leu22fs; shifts the reading frame from leucine 22.
Molecular consequence: frameshift variant. On other transcripts: 5 prime UTR variant (1).
Genome position (GRCh38, 1-based): chr8:43,140,561, T deleted. VCF-style (leftmost placement, unchanged base first): chr8-43140560-CT-C. GRCh37 (hg19) VCF-style: chr8-42995703-CT-C.
Other names: c.65del, p.Leu22fs (NM_001363227.2, NM_001363228.2); c.-769del (NM_001363229.2); short protein forms L22fs.
Identifiers: ClinVar variation 3595618 (VCV003595618.3).